The following is an entry in ClinVar:

NM_000135.4(FANCA):c.50dup (p.Arg18fs)

Genes: FANCA (FA complementation group A; minus strand), LOC112486223 (Sharpr-MPRA regulatory region 3988; plus strand). Cytogenetic location: 16q24.3.
Variant type: Duplication.
Coding change: c.50dup on transcript NM_000135.4 (MANE Select); coding-DNA position 50, one base duplicated (G; older notation c.50dupG).
Protein change: p.Arg18fs; shifts the reading frame from arginine 18.
Molecular consequence: frameshift variant.
Genome position (GRCh38, 1-based): chr16:89,816,566, C duplicated on the plus strand (G on the coding strand, the reverse complement: FANCA is on the minus strand); the first of 5 consecutive C bases (chr16:89,816,566-89,816,570); duplicating any one gives the same sequence. VCF-style (leftmost placement, unchanged base first): chr16-89816565-G-GC. GRCh37 (hg19) VCF-style: chr16-89882973-G-GC.
Other names: c.50dup, p.Arg18fs (NM_001018112.3, NM_001286167.3, NM_001351830.2); c.50dupG (NM_000135.4); short protein forms R18fs.
Identifiers: ClinVar variation 2436163 (VCV002436163.4), dbSNP rs748624754, ClinGen allele CA2580092340.

ClinVar aggregate classification (germline): Pathogenic/Likely pathogenic. Review status: criteria provided, multiple submitters, no conflicts (2 of 4 stars). 2 submissions from 2 submitters: Pathogenic (1); Likely pathogenic (1). Last evaluated 2025-05-15.

Conditions:
Fanconi anemia complementation group A (FANCA). Also called: Fanconi anemia, group A; FANCA-Related Fanconi Anemia. Identifiers: Orphanet 84, MedGen C3469521, MONDO:0009215, OMIM 227650.

Submissions (2):

GeneKor MSA
Classification: Likely pathogenic for Fanconi anemia complementation group A. Last evaluated: 2025-05-15. Review status: criteria provided, single submitter. Criteria: ACMG Guidelines, 2015. Collection method: clinical testing. Allele origin: germline.
Comment: This variant involves the insertion of a single nucleotide in exon 1 of the FANCA mRNA (c.50dupG). The result is a frameshift and the creation of a premature stop codon after 19 altered amino acid residues – p.(Arg18Profs*19). This causes premature termination of protein synthesis and inactivation of one allele. The resulting protein is expected to be truncated and non-functional. This mutation has not been reported in the international literature or in the ClinVar database. However, based on the ACMG and AMP variant classification criteria (PMID:25741868), and given the expected deleterious impact on the FANCA protein, this finding is considered likely pathogenic.

Revvity Omics, Revvity
Classification: Pathogenic for Fanconi anemia complementation group A. Last evaluated: 2022-12-02. Review status: criteria provided, single submitter. Criteria: ACMG Guidelines, 2015. Collection method: clinical testing. Allele origin: germline.